The following is an entry in ClinVar:

NM_002471.4(MYH6):c.428G>A (p.Arg143Gln)

Genes: MYH6 (myosin heavy chain 6; minus strand), LOC114827851 (VISTA enhancer hs2155; plus strand). Cytogenetic location: 14q11.2.
Variant type: single nucleotide variant.
Coding change: c.428G>A on transcript NM_002471.4 (MANE Select); coding-DNA position 428, G replaced by A.
Protein change: p.Arg143Gln; replaces arginine 143 with glutamine.
Molecular consequence: missense variant.
Genome position (GRCh38, 1-based): chr14:23,405,297, C>T on the plus strand (G>A on the coding strand, the complement: MYH6 is on the minus strand). VCF-style: chr14-23405297-C-T. GRCh37 (hg19) VCF-style: chr14-23874506-C-T.
Other names: short protein forms R143Q.
Identifiers: ClinVar variation 3915572 (VCV003915572.1).
Genomic context (GRCh38, chr14:23,405,297, plus strand): 5'-TGATAGGCGTTGTCGGAGATGGAGAAGATGTGGGGCGGGGCCTCACTCCTCTTCTTGCCC[C>T]GGTAGGCGGCCACCACCTCGGCATTGTACACCGGCAGCCACTTGTAGGGGTTGACAGTGA-3'
Protein context (NP_002462.2, residues 133-153): VYNAEVVAAY[Arg143Gln]GKKRSEAPPH

ClinVar aggregate classification (germline): Uncertain significance (1 of 4 stars; one submission).

Conditions:
Cardiovascular phenotype. Identifiers: MedGen CN230736.

gnomAD v4.1: 14 of 1,614,148 alleles (0.00087%); highest among the groups gnomAD compares: East Asian, 0.0089%; no homozygotes.

Submission:

Ambry Genetics
Classification: Uncertain significance for Cardiovascular phenotype. Last evaluated: 2025-04-17. Review status: criteria provided, single submitter. Criteria: Ambry Variant Classification Scheme 2023. Collection method: clinical testing. Allele origin: germline.
Comment: The p.R143Q variant (also known as c.428G>A), located in coding exon 3 of the MYH6 gene, results from a G to A substitution at nucleotide position 428. The arginine at codon 143 is replaced by glutamine, an amino acid with highly similar properties. This amino acid position is highly conserved in available vertebrate species. In addition, the in silico prediction for this alteration is inconclusive. Based on the available evidence, the clinical significance of this variant remains unclear.